The following is an entry in ClinVar:

NM_001148.6(ANK2):c.3485A>G (p.Asn1162Ser)

Gene: ANK2 (ankyrin 2; plus strand). Cytogenetic location: 4q26.
Variant type: single nucleotide variant.
Coding change: c.3485A>G on transcript NM_001148.6 (MANE Select); coding-DNA position 3485, A replaced by G.
Protein change: p.Asn1162Ser; replaces asparagine 1162 with serine.
Molecular consequence: missense variant.
Genome position (GRCh38, 1-based): chr4:113,335,951, A>G. VCF-style: chr4-113335951-A-G. GRCh37 (hg19) VCF-style: chr4-114257107-A-G.
Other names: c.3527A>G, p.Asn1176Ser (NM_001354231.2, NM_001354242.2); c.3521A>G, p.Asn1174Ser (NM_001354232.2); c.3482A>G, p.Asn1161Ser (NM_001354235.2, NM_001354246.2, NM_001354265.2); c.3383A>G, p.Asn1128Ser (NM_001354236.2); c.3530A>G, p.Asn1177Ser (NM_001354240.2, NM_001354241.2, NM_001386144.1); c.3563A>G, p.Asn1188Ser (NM_001354237.2); c.3455A>G, p.Asn1152Ser (NM_001354239.2, NM_001354252.2); c.3458A>G, p.Asn1153Ser (NM_001127493.3); and 30 more; short protein forms N1091S, N1096S, N1100S, N1128S, N1152S, N1153S, N1161S, N1174S.
Identifiers: ClinVar variation 2050122 (VCV002050122.5), dbSNP rs1360473870, ClinGen allele CA357937645.
Genomic context (GRCh38, chr4:113,335,951, plus strand): 5'-TCATCACCCGAGACTTCCCACAGTACTTTGCAGTGGTGTCTCGTATCAAACAGGACAGCA[A>G]TCTGATTGGCCCAGAAGGAGGTGTACTGAGCAGCACAGTGGTGCCCCAGGTGCAGGCCGT-3'
Protein context (NP_001139.3, residues 1152-1172): AVVSRIKQDS[Asn1162Ser]LIGPEGGVLS

ClinVar aggregate classification (germline): Uncertain significance. Review status: criteria provided, multiple submitters, no conflicts (2 of 4 stars). 2 submissions from 2 submitters: Uncertain significance (2). Last evaluated 2025-07-21.

Conditions:
Long QT syndrome (LQTS). Identifiers: MedGen C0023976, MeSH D008133, MONDO:0002442. Disease mechanism: loss of function. Inheritance: Various modes of inheritance.
Cardiovascular phenotype. Identifiers: MedGen CN230736.

Allele frequency attached by ClinVar (database versions not stated): gnomAD exomes below 0.00001.
gnomAD v4.1: 1 of 1,614,150 alleles (0.000062%); highest among the groups gnomAD compares: Admixed American, 0.0017%; no homozygotes.

Submissions (2):

Ambry Genetics
Classification: Uncertain significance for Cardiovascular phenotype. Last evaluated: 2025-07-21. Review status: criteria provided, single submitter. Criteria: Ambry Variant Classification Scheme 2023. Collection method: clinical testing. Allele origin: germline.
Comment: The p.N1162S variant (also known as c.3485A>G), located in coding exon 30 of the ANK2 gene, results from an A to G substitution at nucleotide position 3485. The asparagine at codon 1162 is replaced by serine, an amino acid with highly similar properties. This amino acid position is conserved. In addition, this alteration is predicted to be tolerated by in silico analysis. Based on the available evidence, the clinical significance of this variant remains unclear.

Labcorp Genetics (formerly Invitae), Labcorp
Classification: Uncertain significance for Long QT syndrome. Last evaluated: 2022-03-20. Review status: criteria provided, single submitter. Criteria: Invitae Variant Classification Sherloc (09022015). Collection method: clinical testing. Allele origin: germline.
Comment: In summary, the available evidence is currently insufficient to determine the role of this variant in disease. Therefore, it has been classified as a Variant of Uncertain Significance. Algorithms developed to predict the effect of missense changes on protein structure and function are either unavailable or do not agree on the potential impact of this missense change (SIFT: "Tolerated"; PolyPhen-2: "Possibly Damaging"; Align-GVGD: "Class C0"). This variant has not been reported in the literature in individuals affected with ANK2-related conditions. This variant is present in population databases (no rsID available, gnomAD 0.003%). This sequence change replaces asparagine, which is neutral and polar, with serine, which is neutral and polar, at codon 1162 of the ANK2 protein (p.Asn1162Ser).